The following is an entry in ClinVar:

NM_001386795.1(DTNA):c.842G>A (p.Ser281Asn)

Gene: DTNA (dystrobrevin alpha; plus strand). Cytogenetic location: 18q12.1.
Variant type: single nucleotide variant.
Coding change: c.842G>A on transcript NM_001386795.1 (MANE Select); coding-DNA position 842, G replaced by A.
Protein change: p.Ser281Asn; replaces serine 281 with asparagine.
Molecular consequence: missense variant. On other transcripts: 5 prime UTR variant (2), intron variant (1).
Genome position (GRCh38, 1-based): chr18:34,818,296, G>A. VCF-style: chr18-34818296-G-A. GRCh37 (hg19) VCF-style: chr18-32398260-G-A.
Other names: c.842G>A, p.Ser281Asn (NM_001128175.2, NM_001198938.2, NM_001198939.2 and 34 more transcripts); c.-430G>A (NM_001198942.1, NM_001198944.1); c.92G>A, p.Ser31Asn (NM_001198943.1); c.603+6183G>A (NM_001198945.2); short protein forms S31N, S281N.
Identifiers: ClinVar variation 965191 (VCV000965191.9), dbSNP rs2095638594, ClinGen allele CA402168993.

ClinVar aggregate classification (germline): Uncertain significance (1 of 4 stars; one submission).

Conditions:
Left ventricular noncompaction 1 (LVNC1). Also called: LEFT VENTRICULAR NONCOMPACTION 1 WITH OR WITHOUT CONGENITAL HEART DEFECTS. Identifiers: Orphanet 54260, MedGen C1858725, MONDO:0011403, OMIM 604169.

Submission:

Labcorp Genetics (formerly Invitae), Labcorp
Classification: Uncertain significance for Left ventricular noncompaction 1. Last evaluated: 2019-10-31. Review status: criteria provided, single submitter. Criteria: Invitae Variant Classification Sherloc (09022015). Collection method: clinical testing. Allele origin: germline.
Comment: Algorithms developed to predict the effect of missense changes on protein structure and function are either unavailable or do not agree on the potential impact of this missense change (SIFT: "Deleterious"; PolyPhen-2: "Benign"; Align-GVGD: "Class C0"). In summary, the available evidence is currently insufficient to determine the role of this variant in disease. Therefore, it has been classified as a Variant of Uncertain Significance. This variant has not been reported in the literature in individuals with DTNA-related conditions. This variant is not present in population databases (ExAC no frequency). This sequence change replaces serine with asparagine at codon 281 of the DTNA protein (p.Ser281Asn). The serine residue is highly conserved and there is a small physicochemical difference between serine and asparagine.